The following is an entry in ClinVar:

ClinVar aggregate classification (germline): Uncertain significance (1 of 4 stars; one submission).

Conditions:
Glycogen storage disease, type IV (GSD4). Also called: Glycogen storage disease due to glycogen branching enzyme deficiency; AMYLOPECTINOSIS; ANDERSEN DISEASE; BRANCHER DEFICIENCY; CIRRHOSIS, FAMILIAL, WITH DEPOSITION OF ABNORMAL GLYCOGEN; GBE1 DEFICIENCY. Identifiers: Orphanet 367, MedGen C0017923, MONDO:0009292, OMIM 232500.
Glycogen storage disease IV, classic hepatic. Also called: GSD IV, CLASSIC HEPATIC. Identifiers: MedGen C1856301.

Allele frequency attached by ClinVar (database versions not stated): gnomAD exomes below 0.00001; gnomAD 0.00001; TOPMed 0.00003.
gnomAD v4.1: 2 of 1,613,550 alleles (0.00012%); highest among the groups gnomAD compares: Admixed American, 0.0017%; no homozygotes.

Submission:

Labcorp Genetics (formerly Invitae), Labcorp
Classification: Uncertain significance for Glycogen storage disease, type IV; Glycogen storage disease IV, classic hepatic. Last evaluated: 2022-10-03. Review status: criteria provided, single submitter. Criteria: Invitae Variant Classification Sherloc (09022015). Collection method: clinical testing. Allele origin: germline.
Comment: This sequence change replaces arginine, which is basic and polar, with glycine, which is neutral and non-polar, at codon 30 of the GBE1 protein (p.Arg30Gly). This variant is present in population databases (no rsID available, gnomAD 0.003%). This variant has not been reported in the literature in individuals affected with GBE1-related conditions. ClinVar contains an entry for this variant (Variation ID: 1524906). Advanced modeling of protein sequence and biophysical properties (such as structural, functional, and spatial information, amino acid conservation, physicochemical variation, residue mobility, and thermodynamic stability) performed at Invitae indicates that this missense variant is not expected to disrupt GBE1 protein function. In summary, the available evidence is currently insufficient to determine the role of this variant in disease. Therefore, it has been classified as a Variant of Uncertain Significance.

NM_000158.4(GBE1):c.88A>G (p.Arg30Gly)

Gene: GBE1 (1,4-alpha-glucan branching enzyme 1; minus strand). Cytogenetic location: 3p12.2.
Variant type: single nucleotide variant.
Coding change: c.88A>G on transcript NM_000158.4 (MANE Select); coding-DNA position 88, A replaced by G.
Protein change: p.Arg30Gly; replaces arginine 30 with glycine.
Molecular consequence: missense variant.
Genome position (GRCh38, 1-based): chr3:81,761,430, T>C on the plus strand (A>G on the coding strand, the complement: GBE1 is on the minus strand). VCF-style: chr3-81761430-T-C. GRCh37 (hg19) VCF-style: chr3-81810581-T-C.
Other names: short protein forms R30G.
Identifiers: ClinVar variation 1524906 (VCV001524906.5), dbSNP rs1236771685, ClinGen allele CA353686955.